The following is an entry in ClinVar:

NM_020738.4(KIDINS220):c.959A>G (p.Asp320Gly)

Gene: KIDINS220 (kinase D interacting substrate 220; minus strand). Cytogenetic location: 2p25.1.
Variant type: single nucleotide variant.
Coding change: c.959A>G on transcript NM_020738.4 (MANE Select); coding-DNA position 959, A replaced by G.
Protein change: p.Asp320Gly; replaces aspartic acid 320 with glycine.
Molecular consequence: missense variant. On other transcripts: non-coding transcript variant (2).
Genome position (GRCh38, 1-based): chr2:8,798,242, T>C on the plus strand (A>G on the coding strand, the complement: KIDINS220 is on the minus strand). VCF-style: chr2-8798242-T-C. GRCh37 (hg19) VCF-style: chr2-8938372-T-C.
Other names: c.962A>G, p.Asp321Gly (NM_001348729.2, NM_001348731.2, NM_001348734.2 and 3 more transcripts); c.959A>G, p.Asp320Gly (NM_001348732.2, NM_001348735.2, NM_001348738.2 and 3 more transcripts); c.833A>G, p.Asp278Gly (NM_001348736.2); short protein forms D278G, D320G, D321G.
Identifiers: ClinVar variation 1806313 (VCV001806313.1), dbSNP rs1674228351, ClinGen allele CA345771278.

ClinVar aggregate classification (germline): Uncertain significance (1 of 4 stars; one submission).

Conditions:
Spastic paraplegia, intellectual disability, nystagmus, and obesity. Also called: Spastic paraplegia, intellectual disability, nystagmus, and obesity;. Identifiers: Orphanet 521390, MedGen C4284592, MONDO:0015007, OMIM 617296.

Allele frequency attached by ClinVar (database versions not stated): TOPMed below 0.00001.

Submission:

Victorian Clinical Genetics Services, Murdoch Childrens Research Institute
Classification: Uncertain significance for Spastic paraplegia, intellectual disability, nystagmus, and obesity. Last evaluated: 2020-05-21. Review status: criteria provided, single submitter. Criteria: ACMG Guidelines, 2015. Collection method: clinical testing. Allele origin: germline. Inheritance: Autosomal dominant inheritance.
Comment: A heterozygous missense variant was identified, NM_020738.3(KIDINS220):c.959A>G in exon 10 of the KIDINS220 gene. This substitution is predicted to create a moderate amino acid change from an aspartic acid to a glycine at position 320 of the protein; NP_065789.1(KIDINS220):p.(Asp320Gly). The aspartic acid at this position has very high conservation (100 vertebrates, UCSC), and is located within the Ank repeat region (NCBI, PDB). In silico software predictions of the pathogenicity of this variant are conflicting (PolyPhen2, PROVEAN, MutationAssessor, FATHMM). The variant is not present in the gnomAD population database. This variant has not previously been reported in clinical cases. Based on information available at the time of curation, this variant has been classified as a VUS.